The following is an entry in ClinVar:

ClinVar aggregate classification (germline): Uncertain significance (1 of 4 stars; one submission).

Conditions:
Arrhythmogenic right ventricular dysplasia 8 (ARVD8). Also called: ARRHYTHMOGENIC RIGHT VENTRICULAR DYSPLASIA, FAMILIAL, 8; ARRHYTHMOGENIC RIGHT VENTRICULAR CARDIOMYOPATHY 8; Arrhythmogenic Right Ventricular Dysplasia/Cardiomyopathy 8. Identifiers: MedGen C1843896, MONDO:0011831, OMIM 607450.
Arrhythmogenic cardiomyopathy with wooly hair and keratoderma. Also called: Carvajal syndrome; Dilated cardiomyopathy with woolly hair and keratoderma; PALMOPLANTAR KERATODERMA WITH LEFT VENTRICULAR CARDIOMYOPATHY AND WOOLLY HAIR; Arrhythmogenic cardiomyopathy with woolly hair and keratoderma. Identifiers: Orphanet 65282, MedGen C1854063, MONDO:0011581, OMIM 605676.

Submission:

Labcorp Genetics (formerly Invitae), Labcorp
Classification: Uncertain significance for Arrhythmogenic cardiomyopathy with wooly hair and keratoderma; Arrhythmogenic right ventricular dysplasia 8. Last evaluated: 2020-11-11. Review status: criteria provided, single submitter. Criteria: Invitae Variant Classification Sherloc (09022015). Collection method: clinical testing. Allele origin: germline.
Comment: This sequence change replaces leucine with phenylalanine at codon 730 of the DSP protein (p.Leu730Phe). The leucine residue is highly conserved and there is a small physicochemical difference between leucine and phenylalanine. This variant is not present in population databases (ExAC no frequency). This variant has not been reported in the literature in individuals with DSP-related conditions. Algorithms developed to predict the effect of missense changes on protein structure and function are either unavailable or do not agree on the potential impact of this missense change (SIFT: "Deleterious"; PolyPhen-2: "Probably Damaging"; Align-GVGD: "Class C0"). In summary, the available evidence is currently insufficient to determine the role of this variant in disease. Therefore, it has been classified as a Variant of Uncertain Significance.

NM_004415.4(DSP):c.2188C>T (p.Leu730Phe)

Gene: DSP (desmoplakin; plus strand). Cytogenetic location: 6p24.3.
Variant type: single nucleotide variant.
Coding change: c.2188C>T on transcript NM_004415.4 (MANE Select); coding-DNA position 2188, C replaced by T.
Protein change: p.Leu730Phe; replaces leucine 730 with phenylalanine.
Molecular consequence: missense variant.
Genome position (GRCh38, 1-based): chr6:7,574,143, C>T. VCF-style: chr6-7574143-C-T. GRCh37 (hg19) VCF-style: chr6-7574376-C-T.
Other names: c.2188C>T, p.Leu730Phe (NM_001008844.3, NM_001319034.2); short protein forms L730F.
Identifiers: ClinVar variation 1388270 (VCV001388270.8), dbSNP rs2113683126, ClinGen allele CA362680763.